The following is an entry in ClinVar:

NM_002203.4(ITGA2):c.2568G>A (p.Leu856=)

Gene: ITGA2 (integrin subunit alpha 2; plus strand). Cytogenetic location: 5q11.2.
Variant type: single nucleotide variant.
Coding change: c.2568G>A on transcript NM_002203.4 (MANE Select); coding-DNA position 2568, G replaced by A.
Protein change: p.Leu856=; no amino-acid change (leucine 856 retained).
Molecular consequence: synonymous variant. On other transcripts: non-coding transcript variant (4).
Genome position (GRCh38, 1-based): chr5:53,073,256, G>A. VCF-style: chr5-53073256-G-A. GRCh37 (hg19) VCF-style: chr5-52369086-G-A.
Identifiers: ClinVar variation 353770 (VCV000353770.9), dbSNP rs3213805, ClinGen allele CA3263225.
Genomic context (GRCh38, chr5:53,073,256, plus strand): 5'-ATACAACACTGGAATTGTTGTTGATTTTTCAGAAAACTTGTTTTTTGCATCATTCTCCCT[G>A]CCGGTATGTGATGAGACCCTGTACTTACTTCCACCATGCTTCCTACTTATAGATCACTGT-3'
Protein context (NP_002194.2, residues 846-866): SENLFFASFS[Leu856=]PVDGTEVTCQ

ClinVar aggregate classification (germline): Benign/Likely benign. Review status: criteria provided, multiple submitters, no conflicts (2 of 4 stars). 4 submissions from 4 submitters: Benign (3); Likely benign (1). Last evaluated 2024-11-26.

Conditions:
Platelet-type bleeding disorder 9 (BDPLT9). Also called: GLYCOPROTEIN Ia DEFICIENCY; GP Ia DEFICIENCY; COLLAGEN PLATELET RECEPTOR DEFICIENCY. Identifiers: Orphanet 73271, Orphanet 98886, MedGen C3280114, MONDO:0013622, OMIM 614200.

Allele frequency attached by ClinVar (database versions not stated): gnomAD exomes 0.08077 and 0.08591; ExAC 0.08355; 1000 Genomes Project 0.09485; 1000 Genomes Project 30x 0.09619; gnomAD 0.11016 and 0.11329; TOPMed 0.11605; ESP Exome Variant Server 0.12471.
gnomAD v4.1: 142,521 of 1,611,372 alleles (8.8%); highest among the groups gnomAD compares: African/African-American, 19%; 7,146 homozygotes.

Submissions (4):

Blueprint Genetics
Classification: Likely benign. Last evaluated: 2024-11-26. Review status: criteria provided, single submitter. Criteria: ACMG Guidelines, 2015. Collection method: clinical testing. Allele origin: germline.

GeneDx
Classification: Benign. Last evaluated: 2021-06-10. Review status: criteria provided, single submitter. Criteria: GeneDx Variant Classification Process June 2021. Collection method: clinical testing. Allele origin: germline. Affected: yes.

Illumina Laboratory Services, Illumina
Classification: Benign for Platelet-type bleeding disorder 9. Last evaluated: 2018-01-13. Review status: criteria provided, single submitter. Criteria: ICSL Variant Classification Criteria 13 December 2019. Collection method: clinical testing. Allele origin: germline.
Comment: This variant was observed in the ICSL laboratory as part of a predisposition screen in an ostensibly healthy population. It had not been previously curated by ICSL or reported in the Human Gene Mutation Database (HGMD: prior to June 1st, 2018), and was therefore a candidate for classification through an automated scoring system. Utilizing variant allele frequency, disease prevalence and penetrance estimates, and inheritance mode, an automated score was calculated to assess if this variant is too frequent to cause the disease. Based on the score and internal cut-off values, a variant classified as benign is not then subjected to further curation. The score for this variant resulted in a classification of benign for this disease.

Breakthrough Genomics
Classification: Benign. Review status: criteria provided, single submitter. Criteria: ACMG Guidelines, 2015. Collection method: not provided. Allele origin: germline. Inheritance: Unknown mechanism. Affected: yes.